The following is an entry in ClinVar:

NM_004380.3(CREBBP):c.2572C>T (p.Pro858Ser)

Gene: CREBBP (CREB binding lysine acetyltransferase; minus strand). Cytogenetic location: 16p13.3.
Variant type: single nucleotide variant.
Coding change: c.2572C>T on transcript NM_004380.3 (MANE Select); coding-DNA position 2572, C replaced by T.
Protein change: p.Pro858Ser; replaces proline 858 with serine.
Molecular consequence: missense variant.
Genome position (GRCh38, 1-based): chr16:3,770,878, G>A on the plus strand (C>T on the coding strand, the complement: CREBBP is on the minus strand). VCF-style: chr16-3770878-G-A. GRCh37 (hg19) VCF-style: chr16-3820879-G-A.
Other names: c.2458C>T, p.Pro820Ser (NM_001079846.1); short protein forms P858S, P820S.
Identifiers: ClinVar variation 95034 (VCV000095034.50), dbSNP rs145733598, ClinGen allele CA158170.

ClinVar aggregate classification (germline): Benign/Likely benign. Review status: criteria provided, multiple submitters, no conflicts (2 of 4 stars). 10 submissions from 10 submitters: Benign (7); Likely benign (2). 1 of the submissions does not count toward it. Last evaluated 2026-09-01.

Conditions:
Rubinstein-Taybi syndrome (RSTS). Identifiers: Orphanet 783, MedGen C0035934, MONDO:0019188.
Inborn genetic diseases. Identifiers: MedGen C0950123, MeSH D030342.

Allele frequency attached by ClinVar (database versions not stated): gnomAD exomes 0.00025 and 0.00064; ExAC 0.00085; 1000 Genomes Project 30x 0.00187; 1000 Genomes Project 0.00160; ESP Exome Variant Server 0.00239; gnomAD 0.00261 and 0.00287; TOPMed 0.00297.
gnomAD v4.1: 761 of 1,613,870 alleles (0.047%); highest among the groups gnomAD compares: African/African-American, 0.93%; 1 homozygote.

Submissions (10):

CeGaT Center for Human Genetics Tuebingen
Classification: Likely benign. Last evaluated: 2026-09-01. Review status: criteria provided, single submitter. Criteria: CeGaT Center For Human Genetics Tuebingen Variant Classification Criteria Version 2. Collection method: clinical testing. Allele origin: germline. Affected: yes. Observed: 5 variant alleles.
Comment: CREBBP: PP2, BS1

Labcorp Genetics (formerly Invitae), Labcorp
Classification: Benign for Rubinstein-Taybi syndrome. Last evaluated: 2026-01-27. Review status: criteria provided, single submitter. Criteria: Invitae Variant Classification Sherloc (09022015). Collection method: clinical testing. Allele origin: germline.

Blueprint Genetics
Classification: Likely benign. Last evaluated: 2024-08-23. Review status: criteria provided, single submitter. Criteria: ACMG Guidelines, 2015. Collection method: clinical testing. Allele origin: germline.

GeneDx
Classification: Benign. Last evaluated: 2019-10-03. Review status: criteria provided, single submitter. Criteria: GeneDx Variant Classification Process June 2021. Collection method: clinical testing. Allele origin: germline. Affected: yes.
Comment: This variant is associated with the following publications: (PMID: 19183483, 26243651)

Genetic Services Laboratory, University of Chicago
Classification: Benign. Last evaluated: 2017-02-17. Review status: criteria provided, single submitter. Criteria: ACMG Guidelines, 2015. Collection method: clinical testing. Allele origin: germline. Affected: no.

Ambry Genetics
Classification: Benign for Inborn genetic diseases. Last evaluated: 2016-07-11. Review status: criteria provided, single submitter. Criteria: Ambry Variant Classification Scheme 2023. Collection method: clinical testing. Allele origin: germline.

Center for Pediatric Genomic Medicine, Children's Mercy Hospital and Clinics
Classification: Benign. Last evaluated: 2016-06-14. Review status: criteria provided, single submitter. Criteria: ACMG Guidelines, 2015. Collection method: clinical testing. Allele origin: germline.

Eurofins Ntd Llc (ga)
Classification: Benign. Last evaluated: 2014-10-03. Review status: criteria provided, single submitter. Criteria: EGL Classification Definitions 2015. Collection method: clinical testing. Allele origin: germline. Observed: 3 variant alleles, 3 heterozygotes.

Breakthrough Genomics
Classification: Benign. Review status: criteria provided, single submitter. Criteria: ACMG Guidelines, 2015. Collection method: not provided. Allele origin: germline. Inheritance: Autosomal dominant inheritance. Affected: yes.

ITMI
No classification provided. Condition: AllHighlyPenetrant. Last evaluated: 2013-09-19. Review status: no classification provided. Collection method: reference population. Allele origin: germline. Not counted in ClinVar's aggregate classification.
Comment: Please see associated publication for description of ethnicities

Literature cited by the submitters: PubMed 24728327 (cited by ITMI).